The following is an entry in ClinVar:

ClinVar aggregate classification (germline): Uncertain significance (1 of 4 stars; one submission).

Conditions:
Congenital myasthenic syndrome 2A. Also called: Myasthenic syndrome, congenital, 2a, slow-channel. Identifiers: Orphanet 590, MedGen C4225374, MONDO:0014581, OMIM 616313.

Allele frequency attached by ClinVar (database versions not stated): ExAC 0.00001; gnomAD 0.00001; gnomAD exomes 0.00001.
gnomAD v4.1: 9 of 1,613,960 alleles (0.00056%); highest among the groups gnomAD compares: Non-Finnish European, 0.00076%; no homozygotes.

Submission:

Labcorp Genetics (formerly Invitae), Labcorp
Classification: Uncertain significance for Congenital myasthenic syndrome 2A. Last evaluated: 2025-10-02. Review status: criteria provided, single submitter. Criteria: Invitae Variant Classification Sherloc (09022015). Collection method: clinical testing. Allele origin: germline.
Comment: This sequence change creates a premature translational stop signal (p.Trp473*) in the CHRNB1 gene. While this is not anticipated to result in nonsense mediated decay, it is expected to disrupt the last 29 amino acid(s) of the CHRNB1 protein. This variant is present in population databases (rs772731018, gnomAD 0.002%). This variant has not been reported in the literature in individuals affected with CHRNB1-related conditions. ClinVar contains an entry for this variant (Variation ID: 1392655). Experimental studies and prediction algorithms are not available or were not evaluated, and the functional significance of this variant is currently unknown. In summary, the available evidence is currently insufficient to determine the role of this variant in disease. Therefore, it has been classified as a Variant of Uncertain Significance.

NM_000747.3(CHRNB1):c.1418G>A (p.Trp473Ter)

Gene: CHRNB1 (cholinergic receptor nicotinic beta 1 subunit; plus strand). Cytogenetic location: 17p13.1.
Variant type: single nucleotide variant.
Coding change: c.1418G>A on transcript NM_000747.3 (MANE Select); coding-DNA position 1418, G replaced by A.
Protein change: p.Trp473Ter; replaces tryptophan 473 with a stop codon.
Molecular consequence: nonsense.
Genome position (GRCh38, 1-based): chr17:7,456,635, G>A. VCF-style: chr17-7456635-G-A. GRCh37 (hg19) VCF-style: chr17-7359954-G-A.
Other names: short protein forms W473*.
Identifiers: ClinVar variation 1392655 (VCV001392655.6), dbSNP rs772731018, ClinGen allele CA8348069.